The following is an entry in ClinVar:

NC_012920.1(MT-ND6):m.14433C>T

Gene: MT-ND6 (mitochondrially encoded NADH dehydrogenase 6; minus strand).
Variant type: single nucleotide variant.
Genome position: chrM-14433-C-T.
Identifiers: ClinVar variation 693723 (VCV000693723.1), dbSNP rs1556424444, ClinGen allele CA414822458.

ClinVar aggregate classification (germline): Benign (1 of 4 stars; one submission).

Conditions:
Leigh syndrome (NULS). Also called: Leigh's necrotizing encephalopathy; Leigh's disease; Leigh's syndrome; LEIGH SYNDROME, NUCLEAR; Leigh Syndrome (mtDNA deletion); Leigh Disease. Identifiers: Orphanet 506, MedGen C2931891, MONDO:0009723, OMIM 256000.

Submission:

Wong Mito Lab, Molecular and Human Genetics, Baylor College of Medicine
Classification: Benign for Leigh syndrome. Last evaluated: 2019-10-17. Review status: criteria provided, single submitter. Criteria: Modified ACMG Guidelines (Unpublished). Collection method: clinical testing. Allele origin: germline.
Comment: The NC_012920.1:m.14433C>T (YP_003024037.1:p.Ala81Thr) variant in MTND6 gene is interpretated to be a Benign variant based on the modified ACMG guidelines (unpublished). This variant meets the following evidence codes: BS1, BS2, BP4